The following is an entry in ClinVar:

NM_005732.4(RAD50):c.2240T>C (p.Ile747Thr)

Gene: RAD50 (RAD50 double strand break repair protein; plus strand). Cytogenetic location: 5q31.1.
Variant type: single nucleotide variant.
Coding change: c.2240T>C on transcript NM_005732.4 (MANE Select); coding-DNA position 2240, T replaced by C.
Protein change: p.Ile747Thr; replaces isoleucine 747 with threonine.
Molecular consequence: missense variant.
Genome position (GRCh38, 1-based): chr5:132,603,332, T>C. VCF-style: chr5-132603332-T-C. GRCh37 (hg19) VCF-style: chr5-131939024-T-C.
Other names: short protein forms I747T.
Identifiers: ClinVar variation 3429536 (VCV003429536.1).
Genomic context (GRCh38, chr5:132,603,332, plus strand): 5'-TTTATTTTTAATTGTGTTTTCTATTTAGGCAAAGCATAATTGATTTGAAGGAGAAGGAAA[T>C]ACCAGAATTAAGAAACAAACTGCAGAATGTCAATAGAGACATACAGCGCCTAAAGAACGA-3'
Protein context (NP_005723.2, residues 737-757): QSIIDLKEKE[Ile747Thr]PELRNKLQNV

ClinVar aggregate classification (germline): Uncertain significance (1 of 4 stars; one submission).

Conditions:
Hereditary cancer-predisposing syndrome. Also called: Neoplastic Syndromes, Hereditary; Tumor predisposition; Hereditary Cancer Syndrome; Hereditary neoplastic syndrome. Identifiers: Orphanet 140162, MedGen C0027672, MeSH D009386, MONDO:0015356.

Submission:

Ambry Genetics
Classification: Uncertain significance for Hereditary cancer-predisposing syndrome. Last evaluated: 2024-12-08. Review status: criteria provided, single submitter. Criteria: Ambry Variant Classification Scheme 2023. Collection method: clinical testing. Allele origin: germline.
Comment: The p.I747T variant (also known as c.2240T>C), located in coding exon 14 of the RAD50 gene, results from a T to C substitution at nucleotide position 2240. The isoleucine at codon 747 is replaced by threonine, an amino acid with similar properties. This amino acid position is conserved. In addition, the in silico prediction for this alteration is inconclusive. Based on the available evidence, the clinical significance of this variant remains unclear.